The following is an entry in ClinVar:

ClinVar aggregate classification (germline): Likely benign. Review status: criteria provided, multiple submitters, no conflicts (2 of 4 stars). 3 submissions from 3 submitters: Likely benign (3). Last evaluated 2025-12-23.

Conditions:
ABHD12-related disorder. Also called: ABHD12-related condition.

Allele frequency attached by ClinVar (database versions not stated): gnomAD exomes 0.00001 and 0.00002.
gnomAD v4.1: 31 of 1,613,978 alleles (0.0019%); highest among the groups gnomAD compares: Non-Finnish European, 0.0024%; no homozygotes.

Submissions (3):

PreventionGenetics, part of Exact Sciences
Classification: Likely benign for ABHD12-related condition. Last evaluated: 2025-12-23. Review status: criteria provided, single submitter. Criteria: ACMG Guidelines, 2015. Collection method: clinical testing. Allele origin: germline.
Comment: This variant is classified as likely benign based on ACMG/AMP sequence variant interpretation guidelines (Richards et al. 2015 PMID: 25741868, with internal and published modifications).

CeGaT Center for Human Genetics Tuebingen
Classification: Likely benign. Last evaluated: 2025-09-01. Review status: criteria provided, single submitter. Criteria: CeGaT Center For Human Genetics Tuebingen Variant Classification Criteria Version 2. Collection method: clinical testing. Allele origin: germline. Affected: yes. Observed: 2 variant alleles.
Comment: ABHD12: BP4, BP7

Labcorp Genetics (formerly Invitae), Labcorp
Classification: Likely benign. Last evaluated: 2025-03-17. Review status: criteria provided, single submitter. Criteria: Invitae Variant Classification Sherloc (09022015). Collection method: clinical testing. Allele origin: germline.

NM_001042472.3(ABHD12):c.375G>A (p.Thr125=)

Gene: ABHD12 (abhydrolase domain containing 12, lysophospholipase; minus strand). Cytogenetic location: 20p11.21.
Variant type: single nucleotide variant.
Coding change: c.375G>A on transcript NM_001042472.3 (MANE Select); coding-DNA position 375, G replaced by A.
Protein change: p.Thr125=; no amino-acid change (threonine 125 retained).
Molecular consequence: synonymous variant.
Genome position (GRCh38, 1-based): chr20:25,323,372, C>T on the plus strand (G>A on the coding strand, the complement: ABHD12 is on the minus strand). VCF-style: chr20-25323372-C-T. GRCh37 (hg19) VCF-style: chr20-25304008-C-T.
Other names: c.375G>A, p.Thr125= (NM_015600.5); c.375G>A (NM_001042472.2).
Identifiers: ClinVar variation 1081906 (VCV001081906.43), dbSNP rs1048930924, ClinGen allele CA313676585.